The following is an entry in ClinVar:

ClinVar aggregate classification (germline): Likely benign. Review status: criteria provided, multiple submitters, no conflicts (2 of 4 stars). 4 submissions from 4 submitters: Likely benign (4). Last evaluated 2026-05-24.

Conditions:
Cardiovascular phenotype. Identifiers: MedGen CN230736.
Familial hypercholesterolemia. Also called: Familial hypercholesterolemias; Familial hypercholesterolaemia. Identifiers: MedGen C0020445, MONDO:0005439.
Hypercholesterolemia, autosomal dominant, 3 (FHCL3). Also called: Familial Hypercholesterolemia, Autosomal Dominant, 3; PCSK9-Related Familial Hypercholesterolemia, Autosomal Dominant; Familial hypercholesterolemia 3. Identifiers: MedGen C1863551, MONDO:0011369, OMIM 603776.

Allele frequency attached by ClinVar (database versions not stated): gnomAD exomes below 0.00001; TOPMed 0.00001; gnomAD 0.00002.
gnomAD v4.1: 4 of 1,566,272 alleles (0.00026%); highest among the groups gnomAD compares: African/African-American, 0.0027%; no homozygotes.

Submissions (4):

Women's Health and Genetics/Laboratory Corporation of America, LabCorp
Classification: Likely benign. Last evaluated: 2026-05-24. Review status: criteria provided, single submitter. Criteria: LabCorp Variant Classification Summary - May 2015. Collection method: clinical testing. Allele origin: germline.

All of Us Research Program, National Institutes of Health
Classification: Likely benign for Hypercholesterolemia, autosomal dominant, 3. Last evaluated: 2023-11-02. Review status: criteria provided, single submitter. Criteria: ACMG Guidelines, 2015. Collection method: clinical testing. Allele origin: germline. Inheritance: Autosomal dominant inheritance. Observed: 4 variant alleles, 4 heterozygotes.
Comment: This study involves interpretation of variants in research participants for the purpose of population health screening. Participant phenotype was not available at the time of variant classification. Additional details can be found in publication PMID: 35346344, PMCID: PMC8962531

Ambry Genetics
Classification: Likely benign for Cardiovascular phenotype. Last evaluated: 2019-06-09. Review status: criteria provided, single submitter. Criteria: Ambry Variant Classification Scheme 2023. Collection method: clinical testing. Allele origin: germline.

Color Diagnostics, LLC DBA Color Health
Classification: Likely benign for Familial hypercholesterolemias. Last evaluated: 2018-03-23. Review status: criteria provided, single submitter. Criteria: ACMG Guidelines, 2015. Collection method: clinical testing. Allele origin: germline.

NM_174936.4(PCSK9):c.1533C>T (p.Ala511=)

Gene: PCSK9 (proprotein convertase subtilisin/kexin type 9; plus strand). Cytogenetic location: 1p32.3.
Variant type: single nucleotide variant.
Coding change: c.1533C>T on transcript NM_174936.4 (MANE Select); coding-DNA position 1533, C replaced by T.
Protein change: p.Ala511=; no amino-acid change (alanine 511 retained).
Molecular consequence: synonymous variant. On other transcripts: non-coding transcript variant (7), intron variant (1).
Genome position (GRCh38, 1-based): chr1:55,059,515, C>T. VCF-style: chr1-55059515-C-T. GRCh37 (hg19) VCF-style: chr1-55525188-C-T.
Other names: c.1656C>T, p.Ala552= (NM_001407240.1); c.1575C>T, p.Ala525= (NM_001407241.1); c.1536C>T, p.Ala512= (NM_001407242.1); c.1476C>T, p.Ala492= (NM_001407243.1); c.1359C>T, p.Ala453= (NM_001407244.1); c.1341C>T, p.Ala447= (NM_001407245.1); c.1158C>T, p.Ala386= (NM_001407246.1); c.1181-1860C>T (NM_001407247.1).
Identifiers: ClinVar variation 629944 (VCV000629944.7), dbSNP rs1033662150, ClinGen allele CA22765483.
Genomic context (GRCh38, chr1:55,059,515, plus strand): 5'-GCAGATTCCCATTTCCGTCTTTGACTCTAAGGCCCAAGGGGGCAAGCTGGTCTGCCGGGC[C>T]CACAACGCTTTTGGGGGTGAGGGTGTCTACGCCATTGCCAGGTGCTGCCTGCTACCCCAG-3'
Protein context (NP_777596.2, residues 501-521): EAQGGKLVCR[Ala511=]HNAFGGEGVY